The following is an entry in ClinVar:

NC_000017.10:g.(?_4926743)_(4927446_?)del

Gene: KIF1C (kinesin family member 1C; plus strand). Cytogenetic location: 17p13.2.
Variant type: Deletion.
Identifiers: ClinVar variation 2425618 (VCV002425618.3).

ClinVar aggregate classification (germline): Uncertain significance (1 of 4 stars; one submission).

Conditions:
Spastic ataxia 2. Also called: Ataxia, spastic, 2, autosomal recessive. Identifiers: Orphanet 397946, MedGen C1969796, MONDO:0012651, OMIM 611302.

Submission:

Labcorp Genetics (formerly Invitae), Labcorp
Classification: Uncertain significance for Spastic ataxia 2. Last evaluated: 2022-11-21. Review status: criteria provided, single submitter. Criteria: Invitae Variant Classification Sherloc (09022015). Collection method: clinical testing. Allele origin: germline.
Comment: In summary, the available evidence is currently insufficient to determine the role of this variant in disease. Therefore, it has been classified as a Variant of Uncertain Significance. Experimental studies and prediction algorithms are not available or were not evaluated, and the functional significance of this variant is currently unknown. This variant has not been reported in the literature in individuals affected with KIF1C-related conditions. This variant is a gross deletion of the genomic region encompassing exon(s) 23 of the KIF1C gene, which includes the termination codon. This deletion extends beyond the assayed region for this gene and therefore may encompass additional genes. While this deletion is not anticipated to lead to nonsense mediated decay, it is expected to alter mRNA translation or result in a truncated protein product.